The following is an entry in ClinVar:

NM_001042492.3(NF1):c.386A>T (p.Gln129Leu)

Gene: NF1 (neurofibromin 1; plus strand). Cytogenetic location: 17q11.2.
Variant type: single nucleotide variant.
Coding change: c.386A>T on transcript NM_001042492.3 (MANE Select); coding-DNA position 386, A replaced by T.
Protein change: p.Gln129Leu; replaces glutamine 129 with leucine.
Molecular consequence: missense variant.
Genome position (GRCh38, 1-based): chr17:31,163,283, A>T. VCF-style: chr17-31163283-A-T. GRCh37 (hg19) VCF-style: chr17-29490301-A-T.
Other names: c.386A>T, p.Gln129Leu (NM_000267.4, NM_001128147.3); short protein forms Q129L.
Identifiers: ClinVar variation 824322 (VCV000824322.11), dbSNP rs1060500250, ClinGen allele CA398981841.

ClinVar aggregate classification (germline): Conflicting classifications of pathogenicity. Review status: criteria provided, conflicting classifications (1 of 4 stars). 3 submissions from 3 submitters: Uncertain significance (2); Likely benign (1). Last evaluated 2025-07-24.

Conditions:
Neurofibromatosis, type 1 (NF1). Also called: Neurofibromatosis, type I; Peripheral type neurofibromatosis; VON RECKLINGHAUSEN DISEASE; NEUROFIBROMATOSIS, TYPE I, SOMATIC. Identifiers: Orphanet 636, MedGen C0027831, MONDO:0018975, OMIM 162200. Disease mechanism: loss of function.
Hereditary cancer-predisposing syndrome. Also called: Neoplastic Syndromes, Hereditary; Hereditary Cancer Syndrome; Hereditary neoplastic syndrome; Tumor predisposition. Identifiers: Orphanet 140162, MedGen C0027672, MeSH D009386, MONDO:0015356.
Cardiovascular phenotype. Identifiers: MedGen CN230736.

Allele frequency attached by ClinVar (database versions not stated): TOPMed 0.00001.

Submissions (3):

Labcorp Genetics (formerly Invitae), Labcorp
Classification: Likely benign for Neurofibromatosis, type 1. Last evaluated: 2025-07-24. Review status: criteria provided, single submitter. Criteria: Invitae Variant Classification Sherloc (09022015). Collection method: clinical testing. Allele origin: germline.

Genome-Nilou Lab
Classification: Uncertain significance for Neurofibromatosis, type 1. Last evaluated: 2022-03-15. Review status: criteria provided, single submitter. Criteria: ACMG Guidelines, 2015. Collection method: clinical testing. Allele origin: germline. Affected: no.

Ambry Genetics
Classification: Uncertain significance for Cardiovascular phenotype; Hereditary cancer-predisposing syndrome. Last evaluated: 2018-08-29. Review status: criteria provided, single submitter. Criteria: Ambry Variant Classification Scheme 2023. Collection method: clinical testing. Allele origin: germline.
Comment: The p.Q129L variant (also known as c.386A>T), located in coding exon 4 of the NF1 gene, results from an A to T substitution at nucleotide position 386. The glutamine at codon 129 is replaced by leucine, an amino acid with dissimilar properties. This amino acid position is highly conserved in available vertebrate species. In addition, this alteration is predicted to be deleterious by in silico analysis. Since supporting evidence is limited at this time, the clinical significance of this alteration remains unclear.